The following is an entry in ClinVar:

NM_032578.4(MYPN):c.577C>A (p.Gln193Lys)

Gene: MYPN (myopalladin; plus strand). Cytogenetic location: 10q21.3.
Variant type: single nucleotide variant.
Coding change: c.577C>A on transcript NM_032578.4 (MANE Select); coding-DNA position 577, C replaced by A.
Protein change: p.Gln193Lys; replaces glutamine 193 with lysine.
Molecular consequence: missense variant. On other transcripts: 5 prime UTR variant (1), non-coding transcript variant (1).
Genome position (GRCh38, 1-based): chr10:68,122,015, C>A. VCF-style: chr10-68122015-C-A. GRCh37 (hg19) VCF-style: chr10-69881772-C-A.
Other names: c.577C>A, p.Gln193Lys (NM_001256267.2); c.-546C>A (NM_001256268.2); short protein forms Q193K.
Identifiers: ClinVar variation 3298154 (VCV003298154.1).
Genomic context (GRCh38, chr10:68,122,015, plus strand): 5'-ATTAGACCTCGTGCCTGCAAAAACCACAAGAGTAAACTGGAATCTCAAAACAAAGTTATG[C>A]AGGAAAACAGCTCCAGTTTCTCAGATCTGTCAGAAAGACGAGAAAGATCTTCTGTTCCCA-3'
Protein context (NP_115967.2, residues 183-203): SKLESQNKVM[Gln193Lys]ENSSSFSDLS

ClinVar aggregate classification (germline): Uncertain significance (1 of 4 stars; one submission).

Conditions:
Cardiovascular phenotype. Identifiers: MedGen CN230736.

gnomAD v4.1: 1 of 1,614,172 alleles (0.000062%); highest among the groups gnomAD compares: Admixed American, 0.0017%; no homozygotes.

Submission:

Ambry Genetics
Classification: Uncertain significance for Cardiovascular phenotype. Last evaluated: 2024-06-22. Review status: criteria provided, single submitter. Criteria: Ambry Variant Classification Scheme 2023. Collection method: clinical testing. Allele origin: germline.
Comment: The p.Q193K variant (also known as c.577C>A), located in coding exon 1 of the MYPN gene, results from a C to A substitution at nucleotide position 577. The glutamine at codon 193 is replaced by lysine, an amino acid with similar properties. This amino acid position is conserved. In addition, this alteration is predicted to be tolerated by in silico analysis. Based on the available evidence, the clinical significance of this variant remains unclear.